The following is an entry in ClinVar:

ClinVar aggregate classification (germline): Pathogenic/Likely pathogenic. Review status: criteria provided, multiple submitters, no conflicts (2 of 4 stars). 2 submissions from 2 submitters: Pathogenic (1); Likely pathogenic (1). Last evaluated 2022-06-16.

Conditions:
UNC80-related disorder. Also called: UNC80-related condition.

Allele frequency attached by ClinVar (database versions not stated): gnomAD exomes below 0.00001.
gnomAD v4.1: 4 of 1,550,532 alleles (0.00026%); highest among the groups gnomAD compares: South Asian, 0.0024%; no homozygotes.

Submissions (2):

GeneDx
Classification: Likely pathogenic. Last evaluated: 2022-06-16. Review status: criteria provided, single submitter. Criteria: GeneDx Variant Classification Process June 2021. Collection method: clinical testing. Allele origin: germline. Affected: yes.
Comment: Reported in two siblings with spastic paraplegia and global developmental delay who harbored a second UNC80 variant in trans (Valkanas et al., 2016); Nonsense variant predicted to result in protein truncation or nonsense mediated decay in a gene for which loss of function is a known mechanism of disease; Not observed at significant frequency in large population cohorts (gnomAD); This variant is associated with the following publications: (PMID: 27513830)

Blueprint Genetics
Classification: Pathogenic for UNC80-related disorders. Last evaluated: 2021-07-06. Review status: criteria provided, single submitter. Criteria: ACMG Guidelines, 2015. Collection method: clinical testing. Allele origin: germline. Affected: yes. Observed: 1 variant allele.

NM_001371986.1(UNC80):c.2431C>T (p.Arg811Ter)

Gene: UNC80 (unc-80 subunit of NALCN channel complex; plus strand). Cytogenetic location: 2q34.
Variant type: single nucleotide variant.
Coding change: c.2431C>T on transcript NM_001371986.1 (MANE Select); coding-DNA position 2431, C replaced by T.
Protein change: p.Arg811Ter; replaces arginine 811 with a stop codon.
Molecular consequence: nonsense.
Genome position (GRCh38, 1-based): chr2:209,826,006, C>T. VCF-style: chr2-209826006-C-T. GRCh37 (hg19) VCF-style: chr2-210690730-C-T.
Other names: c.2431C>T, p.Arg811Ter (NM_032504.2, NM_182587.4); short protein forms R811*.
Identifiers: ClinVar variation 1804515 (VCV001804515.2), dbSNP rs2470978497, ClinGen allele CA350137388.
Genomic context (GRCh38, chr2:209,826,006, plus strand): 5'-ACAATGCTCATCAAAATAGTGAAGTCTTTGGGATGTGCCTATGGTTGTGGTGAAGGACAC[C>T]GAGGGCTCTCTGGAGATCGTCTGAGACACCAGGTATTCCGAGAGAATGTAAGAGAATTAA-3'